The following is an entry in ClinVar:

NM_144499.3(GNAT1):c.22GAG[1] (p.Glu9del)

Gene: GNAT1 (G protein subunit alpha transducin 1; plus strand). Cytogenetic location: 3p21.31.
Variant type: Microsatellite.
Coding change: c.22GAG[1] on transcript NM_144499.3 (MANE Select); one copy of the 3-base unit GAG starting at c.22; the reference has two copies in a row; one copy, 3 bases deleted.
Protein change: p.Glu9del; deletes glutamic acid 9.
Molecular consequence: inframe deletion.
Genome position (GRCh38, 1-based): chr3:50,191,750-50,191,752, GAG deleted; deleting any 3 consecutive bases within chr3:50,191,747-50,191,752 gives the same sequence; the position shown is the placement nearest the transcript's 3' end. VCF-style (leftmost placement, unchanged base first): chr3-50191746-TGAG-T. GRCh37 (hg19) VCF-style: chr3-50229179-TGAG-T.
Other names: c.22GAG[1], p.Glu9del (NM_000172.4); short protein forms E9del.
Identifiers: ClinVar variation 96466 (VCV000096466.12), dbSNP rs398124522, ClinGen allele CA224144.

ClinVar aggregate classification (germline): Uncertain significance. Review status: criteria provided, multiple submitters, no conflicts (2 of 4 stars). 2 submissions from 2 submitters: Uncertain significance (2). Last evaluated 2025-11-27.

Submissions (2):

Labcorp Genetics (formerly Invitae), Labcorp
Classification: Uncertain significance. Last evaluated: 2025-11-27. Review status: criteria provided, single submitter. Criteria: Invitae Variant Classification Sherloc (09022015). Collection method: clinical testing. Allele origin: germline.
Comment: This variant, c.25_27del, results in the deletion of 1 amino acid(s) of the GNAT1 protein (p.Glu9del), but otherwise preserves the integrity of the reading frame. This variant is present in population databases (rs398124522, gnomAD 0.002%). This variant has not been reported in the literature in individuals affected with GNAT1-related conditions. Experimental studies and prediction algorithms are not available or were not evaluated, and the functional significance of this variant is currently unknown. In summary, the available evidence is currently insufficient to determine the role of this variant in disease. Therefore, it has been classified as a Variant of Uncertain Significance.

Eurofins Ntd Llc (ga)
Classification: Uncertain significance. Last evaluated: 2013-08-20. Review status: criteria provided, single submitter. Criteria: EGL Classification Definitions 2015. Collection method: clinical testing. Allele origin: germline. Observed: 1 variant allele, 1 heterozygote.